The following is an entry in ClinVar:

ClinVar aggregate classification (germline): Uncertain significance (1 of 4 stars; one submission).

Conditions:
Progressive familial heart block type IB (PFHB1B). Identifiers: Orphanet 871, MedGen C1970298, MONDO:0011474, OMIM 604559.

Submission:

Labcorp Genetics (formerly Invitae), Labcorp
Classification: Uncertain significance for Progressive familial heart block type IB. Last evaluated: 2024-05-20. Review status: criteria provided, single submitter. Criteria: Invitae Variant Classification Sherloc (09022015). Collection method: clinical testing. Allele origin: germline.
Comment: This sequence change replaces arginine, which is basic and polar, with proline, which is neutral and non-polar, at codon 762 of the TRPM4 protein (p.Arg762Pro). This variant is not present in population databases (gnomAD no frequency). This variant has not been reported in the literature in individuals affected with TRPM4-related conditions. ClinVar contains an entry for this variant (Variation ID: 1493542). Algorithms developed to predict the effect of missense changes on protein structure and function output the following: SIFT: "Not Available"; PolyPhen-2: "Benign"; Align-GVGD: "Not Available". The proline amino acid residue is found in multiple mammalian species, which suggests that this missense change does not adversely affect protein function. In summary, the available evidence is currently insufficient to determine the role of this variant in disease. Therefore, it has been classified as a Variant of Uncertain Significance.

NM_017636.4(TRPM4):c.2285G>C (p.Arg762Pro)

Gene: TRPM4 (transient receptor potential cation channel subfamily M member 4; plus strand). Cytogenetic location: 19q13.33.
Variant type: single nucleotide variant.
Coding change: c.2285G>C on transcript NM_017636.4 (MANE Select); coding-DNA position 2285, G replaced by C.
Protein change: p.Arg762Pro; replaces arginine 762 with proline.
Molecular consequence: missense variant. On other transcripts: intron variant (1).
Genome position (GRCh38, 1-based): chr19:49,196,514, G>C. VCF-style: chr19-49196514-G-C. GRCh37 (hg19) VCF-style: chr19-49699771-G-C.
Other names: c.1940G>C, p.Arg647Pro (NM_001321281.2); c.677G>C, p.Arg226Pro (NM_001321282.2); c.1763G>C, p.Arg588Pro (NM_001321283.2); c.1223G>C, p.Arg408Pro (NM_001321285.2); c.2211-3786G>C (NM_001195227.2); short protein forms R226P, R408P, R588P, R647P, R762P.
Identifiers: ClinVar variation 1493542 (VCV001493542.8), dbSNP rs781375982, ClinGen allele CA406808705.